The following is an entry in ClinVar:

ClinVar aggregate classification (germline): Likely benign. Review status: criteria provided, single submitter (1 of 4 stars). 2 submissions from 2 submitters: Likely benign (1). 1 of the submissions does not count toward it. Last evaluated 2023-04-21.

Conditions:
FUT8-related disorder. Also called: FUT8-related condition.

Allele frequency attached by ClinVar (database versions not stated): gnomAD 0.00004; ExAC 0.00005; TOPMed 0.00006; gnomAD exomes 0.00019; ESP Exome Variant Server 0.00023.
gnomAD v4.1: 277 of 1,597,800 alleles (0.017%); highest among the groups gnomAD compares: Non-Finnish European, 0.023%; no homozygotes.

Submissions (2):

Blueprint Genetics
Classification: Likely benign. Last evaluated: 2023-04-21. Review status: criteria provided, single submitter. Criteria: ACMG Guidelines, 2015. Collection method: clinical testing. Allele origin: germline.

PreventionGenetics, part of Exact Sciences
Classification: Likely benign for FUT8-related condition. Last evaluated: 2019-04-08. Review status: no assertion criteria provided. Collection method: clinical testing. Allele origin: germline. Not counted in ClinVar's aggregate classification.
Comment: This variant is classified as likely benign based on ACMG/AMP sequence variant interpretation guidelines (Richards et al. 2015 PMID: 25741868, with internal and published modifications).

NM_001371533.1(FUT8):c.204-4A>G

Gene: FUT8 (fucosyltransferase 8; plus strand). Cytogenetic location: 14q23.3.
Variant type: single nucleotide variant.
Coding change: c.204-4A>G on transcript NM_001371533.1 (MANE Select); 4 bases into the intron before coding-DNA position 204, A replaced by G.
Molecular consequence: intron variant.
Genome position (GRCh38, 1-based): chr14:65,615,974, A>G. VCF-style: chr14-65615974-A-G. GRCh37 (hg19) VCF-style: chr14-66082692-A-G.
Other names: c.-286-4A>G (NM_004480.4); c.204-4A>G (NM_178156.2, NM_001371534.1, NM_001371536.1 and 1 more transcripts).
Identifiers: ClinVar variation 3057892 (VCV003057892.3), dbSNP rs369850265, ClinGen allele CA7233147.
Genomic context (GRCh38, chr14:65,615,974, plus strand): 5'-TGAGCTTGTATTTTGTTGCACAGTTTGAAAGCTAAATGTTTACATTATCTTCCCTAAACT[A>G]CAGGATACCAGAAGGCCCTATTGATCAGGGGCCAGCTATAGGAAGAGTACGCGTTTTAGA-3'